The following is an entry in ClinVar:

NM_014014.5(SNRNP200):c.2928G>A (p.Thr976=)

Gene: SNRNP200 (small nuclear ribonucleoprotein U5 subunit 200; minus strand). Cytogenetic location: 2q11.2.
Variant type: single nucleotide variant.
Coding change: c.2928G>A on transcript NM_014014.5 (MANE Select); coding-DNA position 2928, G replaced by A.
Protein change: p.Thr976=; no amino-acid change (threonine 976 retained).
Molecular consequence: synonymous variant.
Genome position (GRCh38, 1-based): chr2:96,289,811, C>T on the plus strand (G>A on the coding strand, the complement: SNRNP200 is on the minus strand). VCF-style: chr2-96289811-C-T. GRCh37 (hg19) VCF-style: chr2-96955549-C-T.
Identifiers: ClinVar variation 95551 (VCV000095551.63), dbSNP rs375734152, ClinGen allele CA223097.

ClinVar aggregate classification (germline): Conflicting classifications of pathogenicity. Review status: criteria provided, conflicting classifications (1 of 4 stars). 6 submissions from 6 submitters: Uncertain significance (2); Likely benign (4). Last evaluated 2026-05-21.

Conditions:
SNRNP200-related disorder. Also called: SNRNP200-related condition.
Retinitis pigmentosa (RP). Identifiers: Orphanet 791, MedGen C0035334, MeSH D012174, MONDO:0019200, OMIM 268000. Inheritance: Autosomal dominant, autosomal recessive and X linked inheritance.

Allele frequency attached by ClinVar (database versions not stated): ESP Exome Variant Server 0.00015; ExAC 0.00018; gnomAD 0.00026 and 0.00027; 1000 Genomes Project 0.00040; TOPMed 0.00040; 1000 Genomes Project 30x 0.00047.
gnomAD v4.1: 408 of 1,614,040 alleles (0.025%); highest among the groups gnomAD compares: Admixed American, 0.077%; no homozygotes.

Submissions (6):

PreventionGenetics, part of Exact Sciences
Classification: Likely benign for SNRNP200-related condition. Last evaluated: 2026-05-21. Review status: criteria provided, single submitter. Criteria: ACMG Guidelines, 2015. Collection method: clinical testing. Allele origin: germline.
Comment: This variant is classified as likely benign based on ACMG/AMP sequence variant interpretation guidelines (Richards et al. 2015 PMID: 25741868, with internal and published modifications).

Labcorp Genetics (formerly Invitae), Labcorp
Classification: Likely benign. Last evaluated: 2025-08-06. Review status: criteria provided, single submitter. Criteria: Invitae Variant Classification Sherloc (09022015). Collection method: clinical testing. Allele origin: germline.

Blueprint Genetics
Classification: Likely benign. Last evaluated: 2024-07-31. Review status: criteria provided, single submitter. Criteria: ACMG Guidelines, 2015. Collection method: clinical testing. Allele origin: germline.

CeGaT Center for Human Genetics Tuebingen
Classification: Likely benign. Last evaluated: 2018-11-01. Review status: criteria provided, single submitter. Criteria: CeGaT Center For Human Genetics Tuebingen Variant Classification Criteria Version 2. Collection method: clinical testing. Allele origin: germline. Affected: yes. Observed: 1 variant allele.

Illumina Laboratory Services, Illumina
Classification: Uncertain significance for Retinitis pigmentosa. Last evaluated: 2018-01-13. Review status: criteria provided, single submitter. Criteria: ICSL Variant Classification Criteria 13 December 2019. Collection method: clinical testing. Allele origin: germline.

Eurofins Ntd Llc (ga)
Classification: Uncertain significance. Last evaluated: 2013-10-02. Review status: criteria provided, single submitter. Criteria: EGL Classification Definitions 2015. Collection method: clinical testing. Allele origin: germline. Observed: 1 variant allele, 1 heterozygote.